The following is an entry in ClinVar:

NM_016938.5(EFEMP2):c.1208G>A (p.Arg403Gln)

Genes: EFEMP2 (EGF containing fibulin extracellular matrix protein 2; minus strand), MUS81 (MUS81 structure-specific endonuclease subunit; plus strand). Cytogenetic location: 11q13.1.
Variant type: single nucleotide variant.
Coding change: c.1208G>A on transcript NM_016938.5 (MANE Select); coding-DNA position 1208, G replaced by A.
Protein change: p.Arg403Gln; replaces arginine 403 with glutamine.
Molecular consequence: missense variant. On other transcripts: non-coding transcript variant (1).
Genome position (GRCh38, 1-based): chr11:65,867,042, C>T on the plus strand (G>A on the coding strand, the complement: EFEMP2 is on the minus strand). VCF-style: chr11-65867042-C-T. GRCh37 (hg19) VCF-style: chr11-65634513-C-T.
Other names: short protein forms R403Q.
Identifiers: ClinVar variation 3274655 (VCV003274655.1).

ClinVar aggregate classification (germline): Uncertain significance (1 of 4 stars; one submission).

Conditions:
Cardiovascular phenotype. Identifiers: MedGen CN230736.

gnomAD v4.1: 12 of 1,614,182 alleles (0.00074%); highest among the groups gnomAD compares: Middle Eastern, 0.016%; no homozygotes.

Submission:

Ambry Genetics
Classification: Uncertain significance for Cardiovascular phenotype. Last evaluated: 2024-03-23. Review status: criteria provided, single submitter. Criteria: Ambry Variant Classification Scheme 2023. Collection method: clinical testing. Allele origin: germline.
Comment: The p.R403Q variant (also known as c.1208G>A), located in coding exon 10 of the EFEMP2 gene, results from a G to A substitution at nucleotide position 1208. The arginine at codon 403 is replaced by glutamine, an amino acid with highly similar properties. This amino acid position is well conserved in available vertebrate species. In addition, this alteration is predicted to be tolerated by in silico analysis. Based on the available evidence, the clinical significance of this alteration remains unclear.